The following is an entry in ClinVar:

NM_022437.3(ABCG8):c.1540C>A (p.Pro514Thr)

Gene: ABCG8 (ATP binding cassette subfamily G member 8; plus strand). Cytogenetic location: 2p21.
Variant type: single nucleotide variant.
Coding change: c.1540C>A on transcript NM_022437.3 (MANE Select); coding-DNA position 1540, C replaced by A.
Protein change: p.Pro514Thr; replaces proline 514 with threonine.
Molecular consequence: missense variant.
Genome position (GRCh38, 1-based): chr2:43,875,197, C>A. VCF-style: chr2-43875197-C-A. GRCh37 (hg19) VCF-style: chr2-44102336-C-A.
Other names: c.1537C>A, p.Pro513Thr (NM_001357321.2); short protein forms P513T, P514T.
Identifiers: ClinVar variation 2450767 (VCV002450767.2), dbSNP rs2466282845, ClinGen allele CA346670307.

ClinVar aggregate classification (germline): Uncertain significance (1 of 4 stars; one submission).

Conditions:
Cardiovascular phenotype. Identifiers: MedGen CN230736.

gnomAD v4.1: 1 of 1,614,218 alleles (0.000062%); highest among the groups gnomAD compares: Non-Finnish European, 0.000085%; no homozygotes.

Submission:

Ambry Genetics
Classification: Uncertain significance for Cardiovascular phenotype. Last evaluated: 2023-01-15. Review status: criteria provided, single submitter. Criteria: Ambry Variant Classification Scheme 2023. Collection method: clinical testing. Allele origin: germline.
Comment: The p.P514T variant (also known as c.1540C>A), located in coding exon 11 of the ABCG8 gene, results from a C to A substitution at nucleotide position 1540. The proline at codon 514 is replaced by threonine, an amino acid with highly similar properties. This amino acid position is conserved. In addition, the in silico prediction for this alteration is inconclusive. Since supporting evidence is limited at this time, the clinical significance of this alteration remains unclear.